The following is an entry in ClinVar:

NM_001242898.2(PPP6R2):c.1929C>T (p.Asp643=)

Gene: PPP6R2 (protein phosphatase 6 regulatory subunit 2; plus strand). Cytogenetic location: 22q13.33.
Variant type: single nucleotide variant.
Coding change: c.1929C>T on transcript NM_001242898.2 (MANE Select); coding-DNA position 1929, C replaced by T.
Protein change: p.Asp643=; no amino-acid change (aspartic acid 643 retained).
Molecular consequence: synonymous variant.
Genome position (GRCh38, 1-based): chr22:50,438,263, C>T. VCF-style: chr22-50438263-C-T. GRCh37 (hg19) VCF-style: chr22-50876692-C-T.
Other names: c.1851C>T, p.Asp617= (NM_001242899.2); c.1848C>T, p.Asp616= (NM_001242900.2, NM_001351644.2, NM_001351645.2 and 1 more transcripts); c.1932C>T, p.Asp644= (NM_001351641.2); c.1929C>T, p.Asp643= (NM_001351642.2, NM_001351643.2, NM_001365836.1); c.1845C>T, p.Asp615= (NM_001351646.2); c.1443C>T, p.Asp481= (NM_001351647.2); c.1362C>T, p.Asp454= (NM_001351648.2).
Identifiers: ClinVar variation 2653384 (VCV002653384.24), dbSNP rs146430890, ClinGen allele CA10315237.

ClinVar aggregate classification (germline): Likely benign (1 of 4 stars; one submission).

Allele frequency attached by ClinVar (database versions not stated): gnomAD 0.00071; TOPMed 0.00072; ExAC 0.00075; gnomAD exomes 0.00097; ESP Exome Variant Server 0.00123.
gnomAD v4.1: 1,524 of 1,613,802 alleles (0.094%); highest among the groups gnomAD compares: Non-Finnish European, 0.12%; 3 homozygotes.

Submission:

CeGaT Center for Human Genetics Tuebingen
Classification: Likely benign. Last evaluated: 2022-08-01. Review status: criteria provided, single submitter. Criteria: CeGaT Center For Human Genetics Tuebingen Variant Classification Criteria Version 2. Collection method: clinical testing. Allele origin: germline. Affected: yes. Observed: 2 variant alleles.
Comment: PPP6R2: BP4, BP7